The following is an entry in ClinVar:

NM_001348946.2(ABCB1):c.2677T>A (p.Ser893Thr)

Gene: ABCB1 (ATP binding cassette subfamily B member 1; minus strand). Cytogenetic location: 7q21.12.
Variant type: single nucleotide variant.
Coding change: c.2677T>A on transcript NM_001348946.2 (MANE Select); coding-DNA position 2677, T replaced by A.
Protein change: p.Ser893Thr; replaces serine 893 with threonine.
Molecular consequence: missense variant.
Genome position (GRCh38, 1-based): chr7:87,531,302, A>T on the plus strand (T>A on the coding strand, the complement: ABCB1 is on the minus strand). VCF-style: chr7-87531302-A-T. GRCh37 (hg19) VCF-style: chr7-87160618-A-T.
Other names: NC_000007.13:g.87160618A>T; c.2677T>A, p.Ser893Thr (NM_000927.5, NM_001348944.2); c.2887T>A, p.Ser963Thr (NM_001348945.2); c.2677T>A (NM_000927.4); short protein forms S893T, S963T.
Identifiers: ClinVar variation 166619 (VCV000166619.10), dbSNP rs2032582, ClinGen allele CA179696.

ClinVar aggregate classification (germline): Benign. Review status: criteria provided, multiple submitters, no conflicts (2 of 4 stars). 4 submissions from 4 submitters: Benign (2). 2 of the submissions do not count toward it. Last evaluated 2014-01-06.

Conditions:
Gastric cancer. Also called: Malignant tumor of stomach; Stomach cancer. Identifiers: MedGen C0024623, MeSH D013274, MONDO:0001056, OMIM 613659, HP:0012126.
ABCB1-related disorder. Also called: ABCB1-related condition.

Allele frequency attached by ClinVar (database versions not stated): 1000 Genomes Project 0.04872; 1000 Genomes Project 30x 0.04778.
gnomAD v4.1: 42,453 of 1,612,540 alleles (2.6%); highest among the groups gnomAD compares: East Asian, 15%; 1,104 homozygotes.

Submissions (17):

Eurofins Ntd Llc (ga)
Classification: Benign. Last evaluated: 2014-01-06. Review status: criteria provided, single submitter. Criteria: EGL Classification Definitions 2015. Collection method: clinical testing. Allele origin: germline. Observed: 2 variant alleles, 2 heterozygotes.

Breakthrough Genomics
Classification: Benign. Review status: criteria provided, single submitter. Criteria: ACMG Guidelines, 2015. Collection method: not provided. Allele origin: germline. Inheritance: Unknown mechanism. Affected: yes.

Hdge Lab, Department of Biotechnology, Mizoram University
Classification: association for Gastric cancer. Last evaluated: 2026-03-26. Review status: no assertion criteria provided. Collection method: case-control. Allele origin: germline. Affected: yes. Observed: 13 variant alleles. Not counted in ClinVar's aggregate classification.
Comment: Variant identified in a case-control study of gastric cancer. Allele frequencies were compared between cases and controls. An elevated odds ratio was observed (GC: OR=7.348, 95% CI=0.909–59.408). Classified as "association" based on exploratory evidence.

PreventionGenetics, part of Exact Sciences
Classification: Likely benign for ABCB1-related condition. Last evaluated: 2021-07-21. Review status: no assertion criteria provided. Collection method: clinical testing. Allele origin: germline. Not counted in ClinVar's aggregate classification.
Comment: This variant is classified as likely benign based on ACMG/AMP sequence variant interpretation guidelines (Richards et al. 2015 PMID: 25741868, with internal and published modifications).

Dr. Peter K. Rogan Lab, Western University
No classification provided (evidence only). Condition: Clear cell carcinoma of kidney. Review status: no classification provided. Collection method: in vitro. Allele origin: not applicable. Functional consequence: retained intron. Not counted in ClinVar's aggregate classification.

Dr. Peter K. Rogan Lab, Western University
No classification provided (evidence only). Condition: Lung cancer. Review status: no classification provided. Collection method: in vitro. Allele origin: not applicable. Functional consequence: retained intron. Not counted in ClinVar's aggregate classification.

Dr. Peter K. Rogan Lab, Western University
No classification provided (evidence only). Condition: Lung cancer. Review status: no classification provided. Collection method: in vitro. Allele origin: not applicable. Functional consequence: retained intron. Not counted in ClinVar's aggregate classification.

Dr. Peter K. Rogan Lab, Western University
No classification provided (evidence only). Condition: Lung cancer. Review status: no classification provided. Collection method: in vitro. Allele origin: not applicable. Functional consequence: retained intron. Not counted in ClinVar's aggregate classification.

Dr. Peter K. Rogan Lab, Western University
No classification provided (evidence only). Condition: Lung cancer. Review status: no classification provided. Collection method: in vitro. Allele origin: not applicable. Functional consequence: retained intron. Not counted in ClinVar's aggregate classification.

Dr. Peter K. Rogan Lab, Western University
No classification provided (evidence only). Condition: Acute myeloid leukemia. Review status: no classification provided. Collection method: in vitro. Allele origin: not applicable. Functional consequence: retained intron. Not counted in ClinVar's aggregate classification.

Dr. Peter K. Rogan Lab, Western University
No classification provided (evidence only). Condition: Acute myeloid leukemia. Review status: no classification provided. Collection method: in vitro. Allele origin: not applicable. Functional consequence: retained intron. Not counted in ClinVar's aggregate classification.

Dr. Peter K. Rogan Lab, Western University
No classification provided (evidence only). Condition: Acute myeloid leukemia. Review status: no classification provided. Collection method: in vitro. Allele origin: not applicable. Functional consequence: retained intron. Not counted in ClinVar's aggregate classification.

Dr. Peter K. Rogan Lab, Western University
No classification provided (evidence only). Condition: Uterine corpus endometrial carcinoma. Review status: no classification provided. Collection method: in vitro. Allele origin: not applicable. Functional consequence: retained intron. Not counted in ClinVar's aggregate classification.

Dr. Peter K. Rogan Lab, Western University
No classification provided (evidence only). Condition: Sarcoma. Review status: no classification provided. Collection method: in vitro. Allele origin: not applicable. Functional consequence: retained intron. Not counted in ClinVar's aggregate classification.

Dr. Peter K. Rogan Lab, Western University
No classification provided (evidence only). Condition: Sarcoma. Review status: no classification provided. Collection method: in vitro. Allele origin: not applicable. Functional consequence: retained intron. Not counted in ClinVar's aggregate classification.

Dr. Peter K. Rogan Lab, Western University
No classification provided (evidence only). Condition: Thymoma. Review status: no classification provided. Collection method: in vitro. Allele origin: not applicable. Functional consequence: retained intron. Not counted in ClinVar's aggregate classification.

Dr. Peter K. Rogan Lab, Western University
No classification provided (evidence only). Condition: Ovarian serous cystadenocarcinoma. Review status: no classification provided. Collection method: in vitro. Allele origin: not applicable. Functional consequence: retained intron. Not counted in ClinVar's aggregate classification.